The following is an entry in ClinVar:

ClinVar aggregate classification (germline): Uncertain significance. Review status: criteria provided, multiple submitters, no conflicts (2 of 4 stars). 2 submissions from 2 submitters: Uncertain significance (2). Last evaluated 2024-08-05.

Conditions:
Inborn genetic diseases. Identifiers: MedGen C0950123, MeSH D030342.

Allele frequency attached by ClinVar (database versions not stated): TOPMed 0.00001; gnomAD exomes 0.00002.
gnomAD v4.1: 22 of 1,614,206 alleles (0.0014%); highest among the groups gnomAD compares: Non-Finnish European, 0.0018%; no homozygotes.

Submissions (2):

Ambry Genetics
Classification: Uncertain significance for Inborn genetic diseases. Last evaluated: 2024-08-05. Review status: criteria provided, single submitter. Criteria: Ambry Variant Classification Scheme 2023. Collection method: clinical testing. Allele origin: germline.

GeneDx
Classification: Uncertain significance. Last evaluated: 2022-11-26. Review status: criteria provided, single submitter. Criteria: GeneDx Variant Classification Process June 2021. Collection method: clinical testing. Allele origin: germline. Affected: yes.
Comment: In silico analysis supports that this missense variant has a deleterious effect on protein structure/function; Has not been previously published as pathogenic or benign to our knowledge

NM_003235.5(TG):c.6370T>C (p.Ser2124Pro)

Gene: TG (thyroglobulin; plus strand). Cytogenetic location: 8q24.22.
Variant type: single nucleotide variant.
Coding change: c.6370T>C on transcript NM_003235.5 (MANE Select); coding-DNA position 6370, T replaced by C.
Protein change: p.Ser2124Pro; replaces serine 2124 with proline.
Molecular consequence: missense variant.
Genome position (GRCh38, 1-based): chr8:133,012,008, T>C. VCF-style: chr8-133012008-T-C. GRCh37 (hg19) VCF-style: chr8-134024253-T-C.
Other names: short protein forms S2124P.
Identifiers: ClinVar variation 2503355 (VCV002503355.2), dbSNP rs1383018981, ClinGen allele CA372229738.